The following is an entry in ClinVar:

NM_000264.5(PTCH1):c.2593A>G (p.Thr865Ala)

Gene: PTCH1 (patched 1; minus strand). Cytogenetic location: 9q22.32.
Variant type: single nucleotide variant.
Coding change: c.2593A>G on transcript NM_000264.5 (MANE Select); coding-DNA position 2593, A replaced by G.
Protein change: p.Thr865Ala; replaces threonine 865 with alanine.
Molecular consequence: missense variant. On other transcripts: non-coding transcript variant (1).
Genome position (GRCh38, 1-based): chr9:95,461,966, T>C on the plus strand (A>G on the coding strand, the complement: PTCH1 is on the minus strand). VCF-style: chr9-95461966-T-C. GRCh37 (hg19) VCF-style: chr9-98224248-T-C.
Other names: c.2395A>G, p.Thr799Ala (NM_001083602.3); c.2590A>G, p.Thr864Ala (NM_001083603.3); c.2140A>G, p.Thr714Ala (NM_001083604.3, NM_001083605.3, NM_001083606.3 and 1 more transcripts); c.2437A>G, p.Thr813Ala (NM_001354918.2); c.2593A>G (NM_000264.3); short protein forms T714A, T799A, T813A, T864A, T865A.
Identifiers: ClinVar variation 1056619 (VCV001056619.15), dbSNP rs1186399866, ClinGen allele CA374113517.

ClinVar aggregate classification (germline): Conflicting classifications of pathogenicity. Review status: criteria provided, conflicting classifications (1 of 4 stars). 4 submissions from 4 submitters: Uncertain significance (3); Likely benign (1). Last evaluated 2026-01-01.

Conditions:
Hereditary cancer-predisposing syndrome. Also called: Tumor predisposition; Hereditary neoplastic syndrome; Neoplastic Syndromes, Hereditary; Hereditary Cancer Syndrome. Identifiers: Orphanet 140162, MedGen C0027672, MeSH D009386, MONDO:0015356.
Gorlin syndrome. Also called: Nevoid Basal Cell Carcinoma Syndrome; Basal cell nevus syndrome. Identifiers: Orphanet 377, MedGen C0004779, MONDO:0007187.

Allele frequency attached by ClinVar (database versions not stated): gnomAD 0.00001.
gnomAD v4.1: 1 of 1,614,080 alleles (0.000062%); highest among the groups gnomAD compares: Non-Finnish European, 0.000085%; no homozygotes.

Submissions (4):

CeGaT Center for Human Genetics Tuebingen
Classification: Uncertain significance. Last evaluated: 2026-01-01. Review status: criteria provided, single submitter. Criteria: CeGaT Center For Human Genetics Tuebingen Variant Classification Criteria Version 2. Collection method: clinical testing. Allele origin: germline. Affected: yes. Observed: 1 variant allele.
Comment: PTCH1: PM2

GeneDx
Classification: Uncertain significance. Last evaluated: 2024-03-17. Review status: criteria provided, single submitter. Criteria: GeneDx Variant Classification Process June 2021. Collection method: clinical testing. Allele origin: germline. Affected: yes.
Comment: Not observed at significant frequency in large population cohorts (gnomAD); In silico analysis supports that this missense variant does not alter protein structure/function; Has not been previously published as pathogenic or benign to our knowledge; This variant is associated with the following publications: (PMID: 8906794)

Ambry Genetics
Classification: Uncertain significance for Hereditary cancer-predisposing syndrome. Last evaluated: 2022-11-05. Review status: criteria provided, single submitter. Criteria: Ambry Variant Classification Scheme 2023. Collection method: clinical testing. Allele origin: germline.
Comment: The p.T865A variant (also known as c.2593A>G), located in coding exon 16 of the PTCH1 gene, results from an A to G substitution at nucleotide position 2593. The threonine at codon 865 is replaced by alanine, an amino acid with similar properties. This amino acid position is conserved. In addition, this alteration is predicted to be tolerated by in silico analysis. Since supporting evidence is limited at this time, the clinical significance of this alteration remains unclear.

Labcorp Genetics (formerly Invitae), Labcorp
Classification: Likely benign for Gorlin syndrome. Last evaluated: 2022-08-10. Review status: criteria provided, single submitter. Criteria: Invitae Variant Classification Sherloc (09022015). Collection method: clinical testing. Allele origin: germline.